The following is an entry in ClinVar:

ClinVar aggregate classification (germline): Conflicting classifications of pathogenicity. Review status: criteria provided, conflicting classifications (1 of 4 stars). 3 submissions from 3 submitters: Uncertain significance (2); Likely benign (1). Last evaluated 2025-04-25.

Conditions:
Hereditary cancer-predisposing syndrome. Also called: Tumor predisposition; Hereditary neoplastic syndrome; Neoplastic Syndromes, Hereditary; Hereditary Cancer Syndrome. Identifiers: Orphanet 140162, MedGen C0027672, MeSH D009386, MONDO:0015356.
Hereditary diffuse gastric adenocarcinoma (HDGC). Also called: DIFFUSE GASTRIC AND LOBULAR BREAST CANCER SYNDROME. Identifiers: Orphanet 26106, MedGen C1708349, MONDO:0007648, OMIM 137215.

gnomAD v4.1: 3 of 1,551,032 alleles (0.00019%); highest among the groups gnomAD compares: South Asian, 0.0012%; no homozygotes.

Submissions (3):

Ambry Genetics
Classification: Likely benign for Hereditary cancer-predisposing syndrome. Last evaluated: 2025-04-25. Review status: criteria provided, single submitter. Criteria: Ambry Variant Classification Scheme 2023. Collection method: clinical testing. Allele origin: germline.

Labcorp Genetics (formerly Invitae), Labcorp
Classification: Uncertain significance for Hereditary diffuse gastric adenocarcinoma. Last evaluated: 2022-09-28. Review status: criteria provided, single submitter. Criteria: Invitae Variant Classification Sherloc (09022015). Collection method: clinical testing. Allele origin: germline.
Comment: In summary, the available evidence is currently insufficient to determine the role of this variant in disease. Therefore, it has been classified as a Variant of Uncertain Significance. Algorithms developed to predict the effect of missense changes on protein structure and function (SIFT, PolyPhen-2, Align-GVGD) all suggest that this variant is likely to be tolerated. ClinVar contains an entry for this variant (Variation ID: 941101). This variant has not been reported in the literature in individuals affected with CDH1-related conditions. This variant is not present in population databases (gnomAD no frequency). This sequence change replaces threonine, which is neutral and polar, with methionine, which is neutral and non-polar, at codon 40 of the CDH1 protein (p.Thr40Met).

Color Diagnostics, LLC DBA Color Health
Classification: Uncertain significance for Hereditary cancer-predisposing syndrome. Last evaluated: 2021-09-19. Review status: criteria provided, single submitter. Criteria: ACMG Guidelines, 2015. Collection method: clinical testing. Allele origin: germline.
Comment: This missense variant replaces threonine with methionine at codon 40 of the CDH1 protein. To our knowledge, functional studies have not been reported for this variant. This variant has not been reported in individuals affected with hereditary cancer in the literature. This variant has not been identified in the general population by the Genome Aggregation Database (gnomAD). The available evidence is insufficient to determine the role of this variant in disease conclusively. Therefore, this variant is classified as a Variant of Uncertain Significance.

NM_004360.5(CDH1):c.119C>T (p.Thr40Met)

Gene: CDH1 (cadherin 1; plus strand). Cytogenetic location: 16q22.1.
Variant type: single nucleotide variant.
Coding change: c.119C>T on transcript NM_004360.5 (MANE Select); coding-DNA position 119, C replaced by T.
Protein change: p.Thr40Met; replaces threonine 40 with methionine.
Molecular consequence: missense variant. On other transcripts: 5 prime UTR variant (2).
Genome position (GRCh38, 1-based): chr16:68,738,367, C>T. VCF-style: chr16-68738367-C-T. GRCh37 (hg19) VCF-style: chr16-68772270-C-T.
Other names: c.119C>T, p.Thr40Met (NM_001317184.2); c.-1497C>T (NM_001317185.2); c.-1701C>T (NM_001317186.2); short protein forms T40M.
Identifiers: ClinVar variation 941101 (VCV000941101.13), dbSNP rs1962460411, ClinGen allele CA396452107.